The following is an entry in ClinVar:

NM_001378969.1(KCND3):c.349G>C (p.Glu117Gln)

Gene: KCND3 (potassium voltage-gated channel subfamily D member 3; minus strand). Cytogenetic location: 1p13.2.
Variant type: single nucleotide variant.
Coding change: c.349G>C on transcript NM_001378969.1 (MANE Select); coding-DNA position 349, G replaced by C.
Protein change: p.Glu117Gln; replaces glutamic acid 117 with glutamine.
Molecular consequence: missense variant.
Genome position (GRCh38, 1-based): chr1:111,982,378, C>G on the plus strand (G>C on the coding strand, the complement: KCND3 is on the minus strand). VCF-style: chr1-111982378-C-G. GRCh37 (hg19) VCF-style: chr1-112525000-C-G.
Other names: c.349G>C, p.Glu117Gln (NM_001378970.1, NM_004980.5, NM_172198.3); short protein forms E117Q.
Identifiers: ClinVar variation 2428993 (VCV002428993.3), dbSNP rs1675003570, ClinGen allele CA341822349.
Genomic context (GRCh38, chr1:111,982,378, plus strand): 5'-TGTACTCCTCGTAGCAGCAGTCCCCGATGATCTCCGGGAGGATGCCGTAGAAGGCCAGCT[C>G]GTCGTCGTAGGCAGAGATGCACTCGTAGCGCGGGTAGTGCAGCTTCCCCGTGCGGTAGAA-3'
Protein context (NP_001365898.1, residues 107-127): RYECISAYDD[Glu117Gln]LAFYGILPEI

ClinVar aggregate classification (germline): Uncertain significance (1 of 4 stars; one submission).

Submission:

GeneDx
Classification: Uncertain significance. Last evaluated: 2022-08-02. Review status: criteria provided, single submitter. Criteria: GeneDx Variant Classification Process June 2021. Collection method: clinical testing. Allele origin: germline. Affected: yes.
Comment: Not observed at significant frequency in large population cohorts (gnomAD); In silico analysis supports that this missense variant has a deleterious effect on protein structure/function; Has not been previously published as pathogenic or benign to our knowledge